The following is an entry in ClinVar:

ClinVar aggregate classification (germline): Likely benign (1 of 4 stars; one submission).

Conditions:
Malignant hyperthermia, susceptibility to, 1 (MHS1). Also called: Anesthesia related hyperthermia; Malignant hyperpyrexia; Fulminating hyperpyrexia; Pharmacogenic myopathy; RYR1-Related Malignant Hyperthermia Susceptibility; Malignant hyperthermia suceptibility 1. Identifiers: Orphanet 423, MedGen C2930980, MONDO:0007783, OMIM 145600.

Submission:

All of Us Research Program, National Institutes of Health
Classification: Likely benign for Malignant hyperthermia, susceptibility to, 1. Last evaluated: 2023-12-13. Review status: criteria provided, single submitter. Criteria: ACMG Guidelines, 2015. Collection method: clinical testing. Allele origin: germline. Inheritance: Autosomal dominant inheritance. Observed: 1 variant allele, 1 heterozygote.
Comment: This study involves interpretation of variants in research participants for the purpose of population health screening. Participant phenotype was not available at the time of variant classification. Additional details can be found in publication PMID: 35346344, PMCID: PMC8962531

NM_000540.3(RYR1):c.3177C>G (p.Pro1059=)

Gene: RYR1 (ryanodine receptor 1; plus strand). Cytogenetic location: 19q13.2.
Variant type: single nucleotide variant.
Coding change: c.3177C>G on transcript NM_000540.3 (MANE Select); coding-DNA position 3177, C replaced by G.
Protein change: p.Pro1059=; no amino-acid change (proline 1059 retained).
Molecular consequence: synonymous variant.
Genome position (GRCh38, 1-based): chr19:38,466,397, C>G. VCF-style: chr19-38466397-C-G. GRCh37 (hg19) VCF-style: chr19-38957037-C-G.
Other names: c.3177C>G, p.Pro1059= (NM_001042723.2).
Identifiers: ClinVar variation 3074772 (VCV003074772.1), dbSNP rs2514095042, ClinGen allele CA507234376.